The following is an entry in ClinVar:

NM_004055.5(CAPN5):c.400G>C (p.Val134Leu)

Gene: CAPN5 (calpain 5; plus strand). Cytogenetic location: 11q13.5.
Variant type: single nucleotide variant.
Coding change: c.400G>C on transcript NM_004055.5 (MANE Select); coding-DNA position 400, G replaced by C.
Protein change: p.Val134Leu; replaces valine 134 with leucine.
Molecular consequence: missense variant.
Genome position (GRCh38, 1-based): chr11:77,112,691, G>C. VCF-style: chr11-77112691-G-C. GRCh37 (hg19) VCF-style: chr11-76823737-G-C.
Other names: short protein forms V134L.
Identifiers: ClinVar variation 942558 (VCV000942558.9), dbSNP rs201701148, ClinGen allele CA381937097.
Genomic context (GRCh38, chr11:77,112,691, plus strand): 5'-CCCAACGCCTACGCGGGCATCTTCCACTTCCACTTCTGGCGCTTCGGGGAATGGGTGGAC[G>C]TGGTCATCGATGACCGGCTGCCCACAGTCAACAACCAGCTCATCTACTGCCACTCCAACT-3'
Protein context (NP_004046.2, residues 124-144): HFWRFGEWVD[Val134Leu]VIDDRLPTVN

ClinVar aggregate classification (germline): Uncertain significance (1 of 4 stars; one submission).

Allele frequency attached by ClinVar (database versions not stated): TOPMed 0.00001.

Submission:

Labcorp Genetics (formerly Invitae), Labcorp
Classification: Uncertain significance. Last evaluated: 2023-08-04. Review status: criteria provided, single submitter. Criteria: Invitae Variant Classification Sherloc (09022015). Collection method: clinical testing. Allele origin: germline.
Comment: This variant has not been reported in the literature in individuals affected with CAPN5-related conditions. This variant is not present in population databases (gnomAD no frequency). This sequence change replaces valine, which is neutral and non-polar, with leucine, which is neutral and non-polar, at codon 134 of the CAPN5 protein (p.Val134Leu). ClinVar contains an entry for this variant (Variation ID: 942558). In summary, the available evidence is currently insufficient to determine the role of this variant in disease. Therefore, it has been classified as a Variant of Uncertain Significance. Advanced modeling of protein sequence and biophysical properties (such as structural, functional, and spatial information, amino acid conservation, physicochemical variation, residue mobility, and thermodynamic stability) performed at Invitae indicates that this missense variant is expected to disrupt CAPN5 protein function.